The following is an entry in ClinVar:

ClinVar aggregate classification (germline): Uncertain significance (1 of 4 stars; one submission).

Conditions:
Carnitine palmitoyltransferase II deficiency. Also called: Carnitine Palmitoyltransferase 2 Deficiency. Identifiers: Orphanet 157, MedGen C0342790, MONDO:0015515.

Allele frequency attached by ClinVar (database versions not stated): TOPMed 0.00001; gnomAD exomes 0.00002 and 0.00005; ExAC 0.00004.
gnomAD v4.1: 12 of 1,606,018 alleles (0.00075%); highest among the groups gnomAD compares: Admixed American, 0.02%; no homozygotes.

Submission:

Labcorp Genetics (formerly Invitae), Labcorp
Classification: Uncertain significance for Carnitine palmitoyltransferase II deficiency. Last evaluated: 2022-08-17. Review status: criteria provided, single submitter. Criteria: Invitae Variant Classification Sherloc (09022015). Collection method: clinical testing. Allele origin: germline.
Comment: This sequence change replaces glutamic acid, which is acidic and polar, with lysine, which is basic and polar, at codon 545 of the CPT2 protein (p.Glu545Lys). This variant is present in population databases (rs774755571, gnomAD 0.04%). This variant has not been reported in the literature in individuals affected with CPT2-related conditions. ClinVar contains an entry for this variant (Variation ID: 1525602). Advanced modeling of protein sequence and biophysical properties (such as structural, functional, and spatial information, amino acid conservation, physicochemical variation, residue mobility, and thermodynamic stability) performed at Invitae indicates that this missense variant is not expected to disrupt CPT2 protein function. In summary, the available evidence is currently insufficient to determine the role of this variant in disease. Therefore, it has been classified as a Variant of Uncertain Significance.

NM_000098.3(CPT2):c.1633G>A (p.Glu545Lys)

Gene: CPT2 (carnitine palmitoyltransferase 2; plus strand). Cytogenetic location: 1p32.3.
Variant type: single nucleotide variant.
Coding change: c.1633G>A on transcript NM_000098.3 (MANE Select); coding-DNA position 1633, G replaced by A.
Protein change: p.Glu545Lys; replaces glutamic acid 545 with lysine.
Molecular consequence: missense variant. On other transcripts: intron variant (1).
Genome position (GRCh38, 1-based): chr1:53,211,307, G>A. VCF-style: chr1-53211307-G-A. GRCh37 (hg19) VCF-style: chr1-53676979-G-A.
Other names: c.1576+57G>A (NM_001330589.2); short protein forms E545K.
Identifiers: ClinVar variation 1525602 (VCV001525602.3), dbSNP rs774755571, ClinGen allele CA859240.